The following is an entry in ClinVar:

ClinVar aggregate classification (germline): Uncertain significance. Review status: criteria provided, multiple submitters, no conflicts (2 of 4 stars). 2 submissions from 2 submitters: Uncertain significance (2). Last evaluated 2026-05-01.

Conditions:
PHIP-related disorder. Also called: PHIP-related condition; PHIP-related disorders.

gnomAD v4.1: 1 of 1,611,922 alleles (0.000062%); highest among the groups gnomAD compares: Non-Finnish European, 0.000085%; no homozygotes.

Submissions (2):

CeGaT Center for Human Genetics Tuebingen
Classification: Uncertain significance. Last evaluated: 2026-05-01. Review status: criteria provided, single submitter. Criteria: CeGaT Center For Human Genetics Tuebingen Variant Classification Criteria Version 2. Collection method: clinical testing. Allele origin: germline. Affected: yes. Observed: 1 variant allele.
Comment: PHIP: PM2

PreventionGenetics, part of Exact Sciences
Classification: Uncertain significance for PHIP-related condition. Last evaluated: 2025-02-06. Review status: criteria provided, single submitter. Criteria: ACMG Guidelines, 2015. Collection method: clinical testing. Allele origin: germline.
Comment: The PHIP c.4714A>C variant is predicted to result in the amino acid substitution p.Asn1572His. To our knowledge, this variant has not been reported in the literature or in a large population database (gnomAD), indicating this variant is rare. At this time, the clinical significance of this variant is uncertain due to the absence of conclusive functional and genetic evidence.

NM_017934.7(PHIP):c.4714A>C (p.Asn1572His)

Genes: IRAK1BP1 (interleukin 1 receptor associated kinase 1 binding protein 1; plus strand), PHIP (PHIP subunit of CUL4-Ring ligase complex; minus strand). Cytogenetic location: 6q14.1.
Variant type: single nucleotide variant.
Coding change: c.4714A>C on transcript NM_017934.7 (MANE Select); coding-DNA position 4714, A replaced by C.
Protein change: p.Asn1572His; replaces asparagine 1572 with histidine.
Molecular consequence: missense variant.
Genome position (GRCh38, 1-based): chr6:78,945,414, T>G on the plus strand (A>C on the coding strand, the complement: PHIP is on the minus strand). VCF-style: chr6-78945414-T-G. GRCh37 (hg19) VCF-style: chr6-79655131-T-G.
Other names: c.4714A>C (NM_017934.6); short protein forms N1572H.
Identifiers: ClinVar variation 4875024 (VCV004875024.3).
Genomic context (GRCh38, chr6:78,945,414, plus strand): 5'-ATGACTTCATTTTACGTTTGACTGGCTTTTCCTTTTCCATGTTTTCTTTTGCAGAATTAT[T>G]CCTAGTGCCATGACTAAAACTGGATTGACCAGGACTGGAAAGAGTATTCAAAGCTTTGGA-3'
Protein context (NP_060404.4, residues 1562-1582): GQSSFSHGTR[Asn1572His]NSAKENMEKE